The following is an entry in ClinVar:

NM_004744.5(LRAT):c.359C>G (p.Ala120Gly)

Gene: LRAT (lecithin retinol acyltransferase; plus strand). Cytogenetic location: 4q32.1.
Variant type: single nucleotide variant.
Coding change: c.359C>G on transcript NM_004744.5 (MANE Select); coding-DNA position 359, C replaced by G.
Protein change: p.Ala120Gly; replaces alanine 120 with glycine.
Molecular consequence: missense variant.
Genome position (GRCh38, 1-based): chr4:154,744,685, C>G. VCF-style: chr4-154744685-C-G. GRCh37 (hg19) VCF-style: chr4-155665837-C-G.
Other names: c.359C>G, p.Ala120Gly (NM_001301645.2); c.359C>G (NM_004744.3); short protein forms A120G.
Identifiers: ClinVar variation 1405888 (VCV001405888.7), dbSNP rs537325942, ClinGen allele CA108930217.

ClinVar aggregate classification (germline): Uncertain significance. Review status: criteria provided, multiple submitters, no conflicts (2 of 4 stars). 3 submissions from 3 submitters: Uncertain significance (3). Last evaluated 2024-08-26.

Conditions:
Inborn genetic diseases. Identifiers: MedGen C0950123, MeSH D030342.

Allele frequency attached by ClinVar (database versions not stated): gnomAD exomes below 0.00001 and 0.00001; gnomAD 0.00003; TOPMed 0.00005; 1000 Genomes Project 30x 0.00016; 1000 Genomes Project 0.00020.
gnomAD v4.1: 8 of 1,614,224 alleles (0.0005%); highest among the groups gnomAD compares: African/African-American, 0.011%; no homozygotes.

Submissions (3):

Ambry Genetics
Classification: Uncertain significance for Inborn genetic diseases. Last evaluated: 2024-08-26. Review status: criteria provided, single submitter. Criteria: Ambry Variant Classification Scheme 2023. Collection method: clinical testing. Allele origin: germline.

Labcorp Genetics (formerly Invitae), Labcorp
Classification: Uncertain significance. Last evaluated: 2021-08-31. Review status: criteria provided, single submitter. Criteria: Invitae Variant Classification Sherloc (09022015). Collection method: clinical testing. Allele origin: germline.
Comment: This sequence change replaces alanine with glycine at codon 120 of the LRAT protein (p.Ala120Gly). The alanine residue is highly conserved and there is a small physicochemical difference between alanine and glycine. This variant is not present in population databases (ExAC no frequency). This variant has not been reported in the literature in individuals affected with LRAT-related conditions. Algorithms developed to predict the effect of missense changes on protein structure and function output the following: SIFT: "Tolerated"; PolyPhen-2: "Benign"; Align-GVGD: "Class C0". The glycine amino acid residue is found in multiple mammalian species, which suggests that this missense change does not adversely affect protein function. Algorithms developed to predict the effect of sequence changes on RNA splicing suggest that this variant may create or strengthen a splice site. In summary, the available evidence is currently insufficient to determine the role of this variant in disease. Therefore, it has been classified as a Variant of Uncertain Significance.

Blueprint Genetics
Classification: Uncertain significance. Last evaluated: 2019-11-13. Review status: criteria provided, single submitter. Criteria: ACMG Guidelines, 2015. Collection method: clinical testing. Allele origin: germline.